The following is an entry in ClinVar:

NM_020778.5(ALPK3):c.1988C>T (p.Thr663Ile)

Gene: ALPK3 (alpha kinase 3; plus strand). Cytogenetic location: 15q25.3.
Variant type: single nucleotide variant.
Coding change: c.1988C>T on transcript NM_020778.5 (MANE Select); coding-DNA position 1988, C replaced by T.
Protein change: p.Thr663Ile; replaces threonine 663 with isoleucine.
Molecular consequence: missense variant.
Genome position (GRCh38, 1-based): chr15:84,856,726, C>T. VCF-style: chr15-84856726-C-T. GRCh37 (hg19) VCF-style: chr15-85399957-C-T.
Other names: short protein forms T663I.
Identifiers: ClinVar variation 1952980 (VCV001952980.5), dbSNP rs768286098, ClinGen allele CA7709330.
Genomic context (GRCh38, chr15:84,856,726, plus strand): 5'-CTGGGACACAAGAAAGCAAGAGGCCACAGTCAGACAGGAGTGCACAGAAGGGCATGATGA[C>T]ACAGGGAAGGGCAGAGACACAGCTAGAAACAACACAGGCAGGTGAGAAGATACAGGAAGA-3'
Protein context (NP_065829.4, residues 653-673): SDRSAQKGMM[Thr663Ile]QGRAETQLET

ClinVar aggregate classification (germline): Uncertain significance (1 of 4 stars; one submission).

Allele frequency attached by ClinVar (database versions not stated): gnomAD exomes 0.00001; ExAC 0.00002; TOPMed 0.00002.
gnomAD v4.1: 5 of 1,613,938 alleles (0.00031%); highest among the groups gnomAD compares: Admixed American, 0.0067%; no homozygotes.

Submission:

Labcorp Genetics (formerly Invitae), Labcorp
Classification: Uncertain significance. Last evaluated: 2024-07-25. Review status: criteria provided, single submitter. Criteria: Invitae Variant Classification Sherloc (09022015). Collection method: clinical testing. Allele origin: germline.
Comment: This sequence change replaces threonine, which is neutral and polar, with isoleucine, which is neutral and non-polar, at codon 865 of the ALPK3 protein (p.Thr865Ile). This variant is present in population databases (rs768286098, gnomAD 0.01%). This variant has not been reported in the literature in individuals affected with ALPK3-related conditions. ClinVar contains an entry for this variant (Variation ID: 1952980). Advanced modeling of protein sequence and biophysical properties (such as structural, functional, and spatial information, amino acid conservation, physicochemical variation, residue mobility, and thermodynamic stability) performed at Invitae indicates that this missense variant is not expected to disrupt ALPK3 protein function with a negative predictive value of 80%. In summary, the available evidence is currently insufficient to determine the role of this variant in disease. Therefore, it has been classified as a Variant of Uncertain Significance.